The following is an entry in ClinVar:

ClinVar aggregate classification (germline): Uncertain significance. Review status: criteria provided, multiple submitters, no conflicts (2 of 4 stars). 6 submissions from 6 submitters: Uncertain significance (6). Last evaluated 2026-08-01.

Conditions:
Inborn genetic diseases. Identifiers: MedGen C0950123, MeSH D030342.
USH2A-related disorder. Also called: USH2A-related disorders; USH2A-related condition. Identifiers: MedGen CN239332.

Allele frequency attached by ClinVar (database versions not stated): ExAC 0.00002; TOPMed 0.00004; gnomAD 0.00005; gnomAD exomes 0.00011.
gnomAD v4.1: 164 of 1,614,046 alleles (0.01%); highest among the groups gnomAD compares: Non-Finnish European, 0.013%; no homozygotes.

Submissions (6):

CeGaT Center for Human Genetics Tuebingen
Classification: Uncertain significance. Last evaluated: 2026-08-01. Review status: criteria provided, single submitter. Criteria: CeGaT Center For Human Genetics Tuebingen Variant Classification Criteria Version 2. Collection method: clinical testing. Allele origin: germline. Affected: yes. Observed: 3 variant alleles.
Comment: USH2A: PM2, BP4

GeneDx
Classification: Uncertain significance. Last evaluated: 2026-04-29. Review status: criteria provided, single submitter. Criteria: GeneDx Variant Classification Process June 2021. Collection method: clinical testing. Allele origin: germline.
Comment: Not observed at significant frequency in large population cohorts (gnomAD); In silico analysis suggests that this missense variant does not alter protein structure/function; Has not been previously published as pathogenic or benign to our knowledge

PreventionGenetics, part of Exact Sciences
Classification: Uncertain significance for USH2A-related condition. Last evaluated: 2025-11-19. Review status: criteria provided, single submitter. Criteria: ACMG Guidelines, 2015. Collection method: clinical testing. Allele origin: germline.
Comment: The USH2A c.8132G>A variant is predicted to result in the amino acid substitution p.Ser2711Asn. To our knowledge, this variant has not been reported in the literature. This variant is reported in 0.0062% of alleles in individuals of European (Non-Finnish) descent in gnomAD. At this time, the clinical significance of this variant is uncertain due to the absence of conclusive functional and genetic evidence.

Ambry Genetics
Classification: Uncertain significance for Inborn genetic diseases. Last evaluated: 2025-05-16. Review status: criteria provided, single submitter. Criteria: Ambry Variant Classification Scheme 2023. Collection method: clinical testing. Allele origin: germline.

Blueprint Genetics
Classification: Uncertain significance. Last evaluated: 2024-10-22. Review status: criteria provided, single submitter. Criteria: ACMG Guidelines, 2015. Collection method: clinical testing. Allele origin: germline.

Labcorp Genetics (formerly Invitae), Labcorp
Classification: Uncertain significance. Last evaluated: 2024-01-20. Review status: criteria provided, single submitter. Criteria: Invitae Variant Classification Sherloc (09022015). Collection method: clinical testing. Allele origin: germline.
Comment: This sequence change replaces serine, which is neutral and polar, with asparagine, which is neutral and polar, at codon 2711 of the USH2A protein (p.Ser2711Asn). This variant is present in population databases (rs201141410, gnomAD 0.006%). This variant has not been reported in the literature in individuals affected with USH2A-related conditions. ClinVar contains an entry for this variant (Variation ID: 2201391). Advanced modeling of protein sequence and biophysical properties (such as structural, functional, and spatial information, amino acid conservation, physicochemical variation, residue mobility, and thermodynamic stability) has been performed at Invitae for this missense variant, however the output from this modeling did not meet the statistical confidence thresholds required to predict the impact of this variant on USH2A protein function. In summary, the available evidence is currently insufficient to determine the role of this variant in disease. Therefore, it has been classified as a Variant of Uncertain Significance.

NM_206933.4(USH2A):c.8132G>A (p.Ser2711Asn)

Gene: USH2A (usherin; minus strand). Cytogenetic location: 1q41.
Variant type: single nucleotide variant.
Coding change: c.8132G>A on transcript NM_206933.4 (MANE Select); coding-DNA position 8132, G replaced by A.
Protein change: p.Ser2711Asn; replaces serine 2711 with asparagine.
Molecular consequence: missense variant.
Genome position (GRCh38, 1-based): chr1:215,888,517, C>T on the plus strand (G>A on the coding strand, the complement: USH2A is on the minus strand). VCF-style: chr1-215888517-C-T. GRCh37 (hg19) VCF-style: chr1-216061859-C-T.
Other names: c.8132G>A (NM_206933.2); short protein forms S2711N.
Identifiers: ClinVar variation 2201391 (VCV002201391.14), dbSNP rs201141410, ClinGen allele CA1394681.